The following is an entry in ClinVar:

ClinVar aggregate classification (germline): Uncertain significance (1 of 4 stars; one submission).

Allele frequency attached by ClinVar (database versions not stated): TOPMed below 0.00001.

Submission:

Labcorp Genetics (formerly Invitae), Labcorp
Classification: Uncertain significance. Last evaluated: 2021-12-02. Review status: criteria provided, single submitter. Criteria: Invitae Variant Classification Sherloc (09022015). Collection method: clinical testing. Allele origin: germline.
Comment: In summary, the available evidence is currently insufficient to determine the role of this variant in disease. Therefore, it has been classified as a Variant of Uncertain Significance. Advanced modeling of protein sequence and biophysical properties (such as structural, functional, and spatial information, amino acid conservation, physicochemical variation, residue mobility, and thermodynamic stability) performed at Invitae indicates that this missense variant is not expected to disrupt AARS2 protein function. This variant has not been reported in the literature in individuals affected with AARS2-related conditions. This variant is not present in population databases (gnomAD no frequency). This sequence change replaces alanine, which is neutral and non-polar, with threonine, which is neutral and polar, at codon 36 of the AARS2 protein (p.Ala36Thr).

NM_020745.4(AARS2):c.106G>A (p.Ala36Thr)

Gene: AARS2 (alanyl-tRNA synthetase 2, mitochondrial; minus strand). Cytogenetic location: 6p21.1.
Variant type: single nucleotide variant.
Coding change: c.106G>A on transcript NM_020745.4 (MANE Select); coding-DNA position 106, G replaced by A.
Protein change: p.Ala36Thr; replaces alanine 36 with threonine.
Molecular consequence: missense variant.
Genome position (GRCh38, 1-based): chr6:44,313,218, C>T on the plus strand (G>A on the coding strand, the complement: AARS2 is on the minus strand). VCF-style: chr6-44313218-C-T. GRCh37 (hg19) VCF-style: chr6-44280955-C-T.
Other names: short protein forms A36T.
Identifiers: ClinVar variation 1475657 (VCV001475657.7), dbSNP rs1786528830, ClinGen allele CA364342172.
Genomic context (GRCh38, chr6:44,313,218, plus strand): 5'-GGCCATGGCGGTCCCGAAAGAAGTTCAGAAAGGCGGCCCTCACGGCCGAGGCCTTGGCTG[C>T]AGGGGGCTCCGATGAGAGCGGCCGATGGCTGAGGCCCCGCCATGCGGGCGACCTTCGAAT-3'
Protein context (NP_065796.2, residues 26-46): SHRPLSSEPP[Ala36Thr]AKASAVRAAF